The following is an entry in ClinVar:

NM_000218.3(KCNQ1):c.720C>A (p.His240Gln)

Gene: KCNQ1 (potassium voltage-gated channel subfamily Q member 1; plus strand). Cytogenetic location: 11p15.5.
Variant type: single nucleotide variant.
Coding change: c.720C>A on transcript NM_000218.3 (MANE Select); coding-DNA position 720, C replaced by A.
Protein change: p.His240Gln; replaces histidine 240 with glutamine.
Molecular consequence: missense variant.
Genome position (GRCh38, 1-based): chr11:2,572,049, C>A. VCF-style: chr11-2572049-C-A. GRCh37 (hg19) VCF-style: chr11-2593279-C-A.
Other names: c.720C>A, p.His240Gln (NM_001406836.1); c.450C>A, p.His150Gln (NM_001406837.1); c.339C>A, p.His113Gln (NM_181798.2); short protein forms H113Q, H150Q, H240Q.
Identifiers: ClinVar variation 2015755 (VCV002015755.4), dbSNP rs28730754, ClinGen allele CA379130963.
Genomic context (GRCh38, chr11:2,572,049, plus strand): 5'-AGCCCCACACCATCTCCTTCGCAGGGGCATCCGCTTCCTGCAGATCCTGAGGATGCTACA[C>A]GTCGACCGCCAGGGAGGCACCTGGAGGCTCCTGGGCTCCGTGGTCTTCATCCACCGCCAG-3'
Protein context (NP_000209.2, residues 230-250): IRFLQILRML[His240Gln]VDRQGGTWRL

ClinVar aggregate classification (germline): Uncertain significance (1 of 4 stars; one submission).

Conditions:
Long QT syndrome (LQTS). Identifiers: MedGen C0023976, MeSH D008133, MONDO:0002442. Disease mechanism: loss of function. Inheritance: Various modes of inheritance.

Submission:

Labcorp Genetics (formerly Invitae), Labcorp
Classification: Uncertain significance for Long QT syndrome. Last evaluated: 2022-08-09. Review status: criteria provided, single submitter. Criteria: Invitae Variant Classification Sherloc (09022015). Collection method: clinical testing. Allele origin: germline.
Comment: In summary, the available evidence is currently insufficient to determine the role of this variant in disease. Therefore, it has been classified as a Variant of Uncertain Significance. Algorithms developed to predict the effect of missense changes on protein structure and function are either unavailable or do not agree on the potential impact of this missense change (SIFT: "Deleterious"; PolyPhen-2: "Probably Damaging"; Align-GVGD: "Class C15"). This variant has not been reported in the literature in individuals affected with KCNQ1-related conditions. This variant is not present in population databases (gnomAD no frequency). This sequence change replaces histidine, which is basic and polar, with glutamine, which is neutral and polar, at codon 240 of the KCNQ1 protein (p.His240Gln).